The following is an entry in ClinVar:

NM_002742.3(PRKD1):c.1493A>G (p.Asn498Ser)

Gene: PRKD1 (protein kinase D1; minus strand). Cytogenetic location: 14q12.
Variant type: single nucleotide variant.
Coding change: c.1493A>G on transcript NM_002742.3 (MANE Select); coding-DNA position 1493, A replaced by G.
Protein change: p.Asn498Ser; replaces asparagine 498 with serine.
Molecular consequence: missense variant.
Genome position (GRCh38, 1-based): chr14:29,630,921, T>C on the plus strand (A>G on the coding strand, the complement: PRKD1 is on the minus strand). VCF-style: chr14-29630921-T-C. GRCh37 (hg19) VCF-style: chr14-30100127-T-C.
Other names: c.1517A>G, p.Asn506Ser (NM_001330069.2); c.1229A>G, p.Asn410Ser (NM_001348390.1); short protein forms N410S, N498S, N506S.
Identifiers: ClinVar variation 3392938 (VCV003392938.2).

ClinVar aggregate classification (germline): Uncertain significance. Review status: criteria provided, multiple submitters, no conflicts (2 of 4 stars). 2 submissions from 2 submitters: Uncertain significance (2). Last evaluated 2025-04-02.

Submissions (2):

Ambry Genetics
Classification: Uncertain significance. Last evaluated: 2025-04-02. Review status: criteria provided, single submitter. Criteria: Ambry Variant Classification Scheme 2023. Collection method: clinical testing. Allele origin: germline.

GeneDx
Classification: Uncertain significance. Last evaluated: 2024-06-27. Review status: criteria provided, single submitter. Criteria: GeneDx Variant Classification Process June 2021. Collection method: clinical testing. Allele origin: germline. Affected: yes.
Comment: Not observed at significant frequency in large population cohorts (gnomAD); In silico analysis supports that this missense variant has a deleterious effect on protein structure/function; Has not been previously published as pathogenic or benign to our knowledge